The following is an entry in ClinVar:

ClinVar aggregate classification (germline): Uncertain significance (1 of 4 stars; one submission).

gnomAD v4.1: 1 of 1,613,336 alleles (0.000062%); no homozygotes.

Submission:

Labcorp Genetics (formerly Invitae), Labcorp
Classification: Uncertain significance. Last evaluated: 2021-12-29. Review status: criteria provided, single submitter. Criteria: Invitae Variant Classification Sherloc (09022015). Collection method: clinical testing. Allele origin: germline.
Comment: In summary, the available evidence is currently insufficient to determine the role of this variant in disease. Therefore, it has been classified as a Variant of Uncertain Significance. Algorithms developed to predict the effect of sequence changes on RNA splicing suggest that this variant may create or strengthen a splice site. Algorithms developed to predict the effect of missense changes on protein structure and function (SIFT, PolyPhen-2, Align-GVGD) all suggest that this variant is likely to be disruptive. This variant has not been reported in the literature in individuals affected with ERCC6-related conditions. This variant is not present in population databases (gnomAD no frequency). This sequence change replaces arginine, which is basic and polar, with glycine, which is neutral and non-polar, at codon 735 of the ERCC6 protein (p.Arg735Gly).

NM_000124.4(ERCC6):c.2203C>G (p.Arg735Gly)

Gene: ERCC6 (ERCC excision repair 6, chromatin remodeling factor; minus strand). Cytogenetic location: 10q11.23.
Variant type: single nucleotide variant.
Coding change: c.2203C>G on transcript NM_000124.4 (MANE Select); coding-DNA position 2203, C replaced by G.
Protein change: p.Arg735Gly; replaces arginine 735 with glycine.
Molecular consequence: missense variant.
Genome position (GRCh38, 1-based): chr10:49,478,437, G>C on the plus strand (C>G on the coding strand, the complement: ERCC6 is on the minus strand). VCF-style: chr10-49478437-G-C. GRCh37 (hg19) VCF-style: chr10-50686483-G-C.
Other names: c.2203C>G, p.Arg735Gly (NM_001346440.2); short protein forms R735G.
Identifiers: ClinVar variation 1391191 (VCV001391191.4), dbSNP rs121917901, ClinGen allele CA376723766.
Genomic context (GRCh38, chr10:49,478,437, plus strand): 5'-AAAGGCTCATCTTGACATCTGACTTCATTCTCCGCAGTAGGTATGGATTTATGGTATCTC[G>C]TAAGACACATGCACACTTGTAAGCAGTTTTGACCTTTAATAAGAGCAGAGAAGGGAACAT-3'
Protein context (NP_000115.1, residues 725-745): KTAYKCACVL[Arg735Gly]DTINPYLLRR